The following is an entry in ClinVar:

NM_001378183.1(PIEZO2):c.474G>A (p.Glu158=)

Gene: PIEZO2 (piezo type mechanosensitive ion channel component 2; minus strand). Cytogenetic location: 18p11.22.
Variant type: single nucleotide variant.
Coding change: c.474G>A on transcript NM_001378183.1 (MANE Select); coding-DNA position 474, G replaced by A.
Protein change: p.Glu158=; no amino-acid change (glutamic acid 158 retained).
Molecular consequence: synonymous variant.
Genome position (GRCh38, 1-based): chr18:10,871,271, C>T on the plus strand (G>A on the coding strand, the complement: PIEZO2 is on the minus strand). VCF-style: chr18-10871271-C-T. GRCh37 (hg19) VCF-style: chr18-10871269-C-T.
Other names: c.474G>A, p.Glu158= (NM_022068.4).
Identifiers: ClinVar variation 734565 (VCV000734565.29), dbSNP rs369019214, ClinGen allele CA8892842.

ClinVar aggregate classification (germline): Likely benign. Review status: criteria provided, multiple submitters, no conflicts (2 of 4 stars). 3 submissions from 3 submitters: Likely benign (3). Last evaluated 2022-09-01.

Allele frequency attached by ClinVar (database versions not stated): gnomAD 0.00006 and 0.00009; gnomAD exomes 0.00008 and 0.00009; TOPMed 0.00011; ExAC 0.00016; 1000 Genomes Project 30x 0.00031; 1000 Genomes Project 0.00040.
gnomAD v4.1: 144 of 1,536,078 alleles (0.0094%); highest among the groups gnomAD compares: Middle Eastern, 0.084%; no homozygotes.

Submissions (3):

CeGaT Center for Human Genetics Tuebingen
Classification: Likely benign. Last evaluated: 2022-09-01. Review status: criteria provided, single submitter. Criteria: CeGaT Center For Human Genetics Tuebingen Variant Classification Criteria Version 2. Collection method: clinical testing. Allele origin: germline. Affected: yes. Observed: 1 variant allele.
Comment: PIEZO2: BP4, BP7

Labcorp Genetics (formerly Invitae), Labcorp
Classification: Likely benign. Last evaluated: 2019-12-31. Review status: criteria provided, single submitter. Criteria: Invitae Variant Classification Sherloc (09022015). Collection method: clinical testing. Allele origin: germline.

Breakthrough Genomics
Classification: Likely benign. Review status: criteria provided, single submitter. Criteria: ACMG Guidelines, 2015. Collection method: not provided. Allele origin: germline. Inheritance: Autosomal recessive inheritance. Affected: yes.